The following is an entry in ClinVar:

NM_001009944.3(PKD1):c.1937G>A (p.Trp646Ter)

Gene: PKD1 (polycystin 1, transient receptor potential channel interacting; minus strand). Cytogenetic location: 16p13.3.
Variant type: single nucleotide variant.
Coding change: c.1937G>A on transcript NM_001009944.3 (MANE Select); coding-DNA position 1937, G replaced by A.
Protein change: p.Trp646Ter; replaces tryptophan 646 with a stop codon.
Molecular consequence: nonsense.
Genome position (GRCh38, 1-based): chr16:2,115,538, C>T on the plus strand (G>A on the coding strand, the complement: PKD1 is on the minus strand). VCF-style: chr16-2115538-C-T. GRCh37 (hg19) VCF-style: chr16-2165539-C-T.
Other names: c.1937G>A, p.Trp646Ter (NM_000296.4); short protein forms W646*.
Identifiers: ClinVar variation 3338786 (VCV003338786.1).

ClinVar aggregate classification (germline): Pathogenic (1 of 4 stars; one submission).

Submission:

GeneDx
Classification: Pathogenic. Last evaluated: 2024-03-06. Review status: criteria provided, single submitter. Criteria: GeneDx Variant Classification Process June 2021. Collection method: clinical testing. Allele origin: germline. Affected: yes.
Comment: Nonsense variant predicted to result in protein truncation or nonsense mediated decay in a gene for which loss of function is a known mechanism of disease; Not observed at significant frequency in large population cohorts (gnomAD); This variant is associated with the following publications: (PMID: 24374109)